The following is an entry in ClinVar:

NM_001365951.3(KIF1B):c.3649C>T (p.Arg1217Cys)

Gene: KIF1B (kinesin family member 1B; plus strand). Cytogenetic location: 1p36.22.
Variant type: single nucleotide variant.
Coding change: c.3649C>T on transcript NM_001365951.3 (MANE Select); coding-DNA position 3649, C replaced by T.
Protein change: p.Arg1217Cys; replaces arginine 1217 with cysteine.
Molecular consequence: missense variant.
Genome position (GRCh38, 1-based): chr1:10,343,248, C>T. VCF-style: chr1-10343248-C-T. GRCh37 (hg19) VCF-style: chr1-10403306-C-T.
Other names: c.3649C>T, p.Arg1217Cys (NM_001365952.1); c.3511C>T, p.Arg1171Cys (NM_015074.3); short protein forms R1217C, R1171C.
Identifiers: ClinVar variation 655578 (VCV000655578.13), dbSNP rs763460099, ClinGen allele CA581837.

ClinVar aggregate classification (germline): Uncertain significance. Review status: criteria provided, multiple submitters, no conflicts (2 of 4 stars). 2 submissions from 2 submitters: Uncertain significance (2). Last evaluated 2026-01-15.

Conditions:
Charcot-Marie-Tooth disease type 2. Also called: Charcot-Marie-Tooth type 2. Identifiers: Orphanet 64746, MedGen C0270914, MONDO:0018993.

Allele frequency attached by ClinVar (database versions not stated): ExAC 0.00001; gnomAD 0.00001; TOPMed 0.00001; gnomAD exomes 0.00001.
gnomAD v4.1: 19 of 1,614,038 alleles (0.0012%); highest among the groups gnomAD compares: South Asian, 0.0044%; no homozygotes.

Submissions (2):

Labcorp Genetics (formerly Invitae), Labcorp
Classification: Uncertain significance for Charcot-Marie-Tooth disease type 2. Last evaluated: 2026-01-15. Review status: criteria provided, single submitter. Criteria: Invitae Variant Classification Sherloc (09022015). Collection method: clinical testing. Allele origin: germline.
Comment: This sequence change replaces arginine, which is basic and polar, with cysteine, which is neutral and slightly polar, at codon 1171 of the KIF1B protein (p.Arg1171Cys). This variant is present in population databases (rs763460099, gnomAD 0.003%). This variant has not been reported in the literature in individuals affected with KIF1B-related conditions. ClinVar contains an entry for this variant (Variation ID: 655578). An algorithm developed to predict the effect of missense changes on protein structure and function (PolyPhen-2) suggests that this variant is likely to be disruptive. In summary, the available evidence is currently insufficient to determine the role of this variant in disease. Therefore, it has been classified as a Variant of Uncertain Significance.

Ambry Genetics
Classification: Uncertain significance. Last evaluated: 2025-09-01. Review status: criteria provided, single submitter. Criteria: Ambry Variant Classification Scheme 2023. Collection method: clinical testing. Allele origin: germline.
Comment: The p.R1171C variant (also known as c.3511C>T), located in coding exon 31 of the KIF1B gene, results from a C to T substitution at nucleotide position 3511. The arginine at codon 1171 is replaced by cysteine, an amino acid with highly dissimilar properties. This amino acid position is highly conserved in available vertebrate species. In addition, the in silico prediction for this alteration is inconclusive. Since supporting evidence is limited at this time, the clinical significance of this alteration remains unclear.